The following is an entry in ClinVar:

ClinVar aggregate classification (germline): Uncertain significance (1 of 4 stars; one submission).

Submission:

Labcorp Genetics (formerly Invitae), Labcorp
Classification: Uncertain significance. Last evaluated: 2023-04-09. Review status: criteria provided, single submitter. Criteria: Invitae Variant Classification Sherloc (09022015). Collection method: clinical testing. Allele origin: germline.
Comment: This sequence change replaces methionine, which is neutral and non-polar, with isoleucine, which is neutral and non-polar, at codon 2320 of the TRRAP protein (p.Met2320Ile). In summary, the available evidence is currently insufficient to determine the role of this variant in disease. Therefore, it has been classified as a Variant of Uncertain Significance. Advanced modeling of protein sequence and biophysical properties (such as structural, functional, and spatial information, amino acid conservation, physicochemical variation, residue mobility, and thermodynamic stability) performed at Invitae indicates that this missense variant is not expected to disrupt TRRAP protein function. This variant has not been reported in the literature in individuals affected with TRRAP-related conditions. This variant is not present in population databases (gnomAD no frequency).

NM_001375524.1(TRRAP):c.7035G>T (p.Met2345Ile)

Gene: TRRAP (transformation/transcription domain associated protein; plus strand). Cytogenetic location: 7q22.1.
Variant type: single nucleotide variant.
Coding change: c.7035G>T on transcript NM_001375524.1 (MANE Select); coding-DNA position 7035, G replaced by T.
Protein change: p.Met2345Ile; replaces methionine 2345 with isoleucine.
Molecular consequence: missense variant.
Genome position (GRCh38, 1-based): chr7:98,965,754, G>T. VCF-style: chr7-98965754-G-T. GRCh37 (hg19) VCF-style: chr7-98563377-G-T.
Other names: c.6960G>T, p.Met2320Ile (NM_003496.4); c.7014G>T, p.Met2338Ile (NM_001244580.2); short protein forms M2320I, M2338I, M2345I.
Identifiers: ClinVar variation 2854444 (VCV002854444.3), dbSNP rs2484910620, ClinGen allele CA368290228.